The following is an entry in ClinVar:

ClinVar aggregate classification (germline): Benign. Review status: criteria provided, multiple submitters, no conflicts (2 of 4 stars). 2 submissions from 2 submitters: Benign (2). Last evaluated 2018-01-13.

Conditions:
Ellis-van Creveld syndrome (EVC). Also called: EVC-Related Ellis-van Creveld Syndrome; EVC2-Related Ellis-van Creveld Syndrome; MESOECTODERMAL DYSPLASIA; Chondroectodermal dysplasia. Identifiers: Orphanet 289, MedGen C0013903, MONDO:0009162, OMIM 225500.

Allele frequency attached by ClinVar (database versions not stated): 1000 Genomes Project 30x 0.07261; 1000 Genomes Project 0.07308; TOPMed 0.11142; gnomAD 0.11820 and 0.12083; gnomAD exomes 0.14286.
gnomAD v4.1: 17,938 of 152,266 alleles (12%); highest among the groups gnomAD compares: Non-Finnish European, 15%; 1,239 homozygotes.

Submissions (2):

Illumina Laboratory Services, Illumina
Classification: Benign for Ellis-van Creveld syndrome. Last evaluated: 2018-01-13. Review status: criteria provided, single submitter. Criteria: ICSL Variant Classification Criteria 13 December 2019. Collection method: clinical testing. Allele origin: germline.
Comment: This variant was observed in the ICSL laboratory as part of a predisposition screen in an ostensibly healthy population. It had not been previously curated by ICSL or reported in the Human Gene Mutation Database (HGMD: prior to June 1st, 2018), and was therefore a candidate for classification through an automated scoring system. Utilizing variant allele frequency, disease prevalence and penetrance estimates, and inheritance mode, an automated score was calculated to assess if this variant is too frequent to cause the disease. Based on the score and internal cut-off values, a variant classified as benign is not then subjected to further curation. The score for this variant resulted in a classification of benign for this disease.

Breakthrough Genomics
Classification: Benign. Review status: criteria provided, single submitter. Criteria: ACMG Guidelines, 2015. Collection method: not provided. Allele origin: germline. Inheritance: Autosomal recessive inheritance. Affected: yes.

NM_153717.3(EVC):c.*2871C>T

Gene: EVC (EvC ciliary complex subunit 1; plus strand). Cytogenetic location: 4p16.2.
Variant type: single nucleotide variant.
Coding change: c.*2871C>T on transcript NM_153717.3 (MANE Select); 2871 bases downstream of the stop codon, C replaced by T.
Molecular consequence: 3 prime UTR variant.
Genome position (GRCh38, 1-based): chr4:5,813,908, C>T. VCF-style: chr4-5813908-C-T. GRCh37 (hg19) VCF-style: chr4-5815635-C-T.
Other names: c.*2871C>T (NM_001306090.2).
Identifiers: ClinVar variation 349281 (VCV000349281.6), dbSNP rs3733189, ClinGen allele CA10618099.